The following is an entry in ClinVar:

NM_000435.3(NOTCH3):c.1913T>C (p.Ile638Thr)

Gene: NOTCH3 (notch receptor 3; minus strand). Cytogenetic location: 19p13.12.
Variant type: single nucleotide variant.
Coding change: c.1913T>C on transcript NM_000435.3 (MANE Select); coding-DNA position 1913, T replaced by C.
Protein change: p.Ile638Thr; replaces isoleucine 638 with threonine.
Molecular consequence: missense variant.
Genome position (GRCh38, 1-based): chr19:15,186,916, A>G on the plus strand (T>C on the coding strand, the complement: NOTCH3 is on the minus strand). VCF-style: chr19-15186916-A-G. GRCh37 (hg19) VCF-style: chr19-15297727-A-G.
Other names: short protein forms I638T.
Identifiers: ClinVar variation 1375355 (VCV001375355.6), dbSNP rs2145432343, ClinGen allele CA404524100.
Genomic context (GRCh38, chr19:15,186,916, plus strand): 5'-CTCATGGCAGCCACTTGCCCACCTGTGAAGCCAGGTTGGCAGACACAGTCGTAGCGGTTG[A>G]TGCCATCACGGCAGACTCCAAAGGTGCAGGGGTTGCTGGCACAGTCGTCAATGTTCACTT-3'
Protein context (NP_000426.2, residues 628-648): PCTFGVCRDG[Ile638Thr]NRYDCVCQPG

ClinVar aggregate classification (germline): Uncertain significance (1 of 4 stars; one submission).

Submission:

Labcorp Genetics (formerly Invitae), Labcorp
Classification: Uncertain significance. Last evaluated: 2021-12-02. Review status: criteria provided, single submitter. Criteria: Invitae Variant Classification Sherloc (09022015). Collection method: clinical testing. Allele origin: germline.
Comment: In summary, the available evidence is currently insufficient to determine the role of this variant in disease. Therefore, it has been classified as a Variant of Uncertain Significance. Advanced modeling of protein sequence and biophysical properties (such as structural, functional, and spatial information, amino acid conservation, physicochemical variation, residue mobility, and thermodynamic stability) performed at Invitae indicates that this missense variant is not expected to disrupt NOTCH3 protein function. This variant has not been reported in the literature in individuals affected with NOTCH3-related conditions. This variant is not present in population databases (gnomAD no frequency). This sequence change replaces isoleucine, which is neutral and non-polar, with threonine, which is neutral and polar, at codon 638 of the NOTCH3 protein (p.Ile638Thr).